The following is an entry in ClinVar:

NM_001395656.1(ROBO2):c.2402G>A (p.Arg801Gln)

Gene: ROBO2 (roundabout guidance receptor 2; plus strand). Cytogenetic location: 3p12.3.
Variant type: single nucleotide variant.
Coding change: c.2402G>A on transcript NM_001395656.1 (MANE Select); coding-DNA position 2402, G replaced by A.
Protein change: p.Arg801Gln; replaces arginine 801 with glutamine.
Molecular consequence: missense variant.
Genome position (GRCh38, 1-based): chr3:77,580,008, G>A. VCF-style: chr3-77580008-G-A. GRCh37 (hg19) VCF-style: chr3-77629159-G-A.
Other names: c.2438G>A, p.Arg813Gln (NM_001128929.3); c.2402G>A, p.Arg801Gln (NM_001290039.2, NM_001290040.2, NM_001378202.1); c.611G>A, p.Arg204Gln (NM_001290065.2); c.2450G>A, p.Arg817Gln (NM_001378190.1, NM_001378191.1, NM_001378195.1 and 4 more transcripts); c.2471G>A, p.Arg824Gln (NM_001378192.1, NM_001378194.1, NM_001378198.1 and 2 more transcripts); c.2390G>A, p.Arg797Gln (NM_001378193.1, NM_001378197.1, NM_002942.5); c.2459G>A, p.Arg820Gln (NM_001394212.1, NM_001394214.1, NM_001395657.1); short protein forms R813Q, R797Q, R801Q, R204Q, R817Q, R820Q, R824Q.
Identifiers: ClinVar variation 633688 (VCV000633688.3), dbSNP rs201678507, ClinGen allele CA2497320.

ClinVar aggregate classification (germline): Likely benign. Review status: criteria provided, single submitter (1 of 4 stars). 2 submissions from 2 submitters: Likely benign (1). 1 of the submissions does not count toward it. Last evaluated 2021-01-09.

Conditions:
Congenital anomaly of kidney and urinary tract. Also called: Congenital anomalies of kidney and urinary tract; Congenital anomalies of the kidney and urinary tract. Identifiers: Orphanet 93545, MedGen C1968949, MeSH C566906, MONDO:0019719.

Allele frequency attached by ClinVar (database versions not stated): TOPMed 0.00002; gnomAD 0.00003.
gnomAD v4.1: 69 of 1,613,612 alleles (0.0043%); highest among the groups gnomAD compares: Middle Eastern, 0.082%; no homozygotes.

Submissions (2):

Institute of Human Genetics, University of Leipzig Medical Center
Classification: Likely benign for Congenital anomaly of kidney and urinary tract. Last evaluated: 2021-01-09. Review status: criteria provided, single submitter. Criteria: ACMG Guidelines, 2015. Collection method: curation. Allele origin: germline. Inheritance: Autosomal dominant inheritance. Affected: yes.
Comment: This ROBO2 variant was reported as Likely pathogenicâ€‹ in PMID: 18235093 with original nomenclature reported as 2390G->A, Arg797Gln. Variant was re-classified as Likely Benign based on the criteria PM2_Supporting, BS1_Moderate, BS2_Moderate.

Gharavi Laboratory, Columbia University
Classification: Uncertain significance. Last evaluated: 2018-09-16. Review status: no assertion criteria provided. Criteria: ACMG Guidelines, 2015. Collection method: research. Allele origin: germline. Affected: no. Not counted in ClinVar's aggregate classification.

Literature cited by the submitters: PubMed 18235093 (cited by Institute of Human Genetics, University of Leipzig Medical Center).